The following is an entry in ClinVar:

ClinVar aggregate classification (germline): Likely benign (0 of 4 stars; one submission).

Conditions:
SLC19A1-related disorder. Also called: SLC19A1-related condition.

Allele frequency attached by ClinVar (database versions not stated): TOPMed 0.00002; gnomAD 0.00003; gnomAD exomes 0.00009.
gnomAD v4.1: 124 of 1,540,368 alleles (0.0081%); highest among the groups gnomAD compares: Non-Finnish European, 0.011%; no homozygotes.

Submission:

PreventionGenetics, part of Exact Sciences
Classification: Likely benign for SLC19A1-related condition. Last evaluated: 2019-08-08. Review status: no assertion criteria provided. Collection method: clinical testing. Allele origin: germline.
Comment: This variant is classified as likely benign based on ACMG/AMP sequence variant interpretation guidelines (Richards et al. 2015 PMID: 25741868, with internal and published modifications).

NM_194255.4(SLC19A1):c.*538G>C

Gene: SLC19A1 (solute carrier family 19 member 1; minus strand). Cytogenetic location: 21q22.3.
Variant type: single nucleotide variant.
Coding change: c.*538G>C on transcript NM_194255.4 (MANE Select); 538 bases downstream of the stop codon, G replaced by C.
Molecular consequence: 3 prime UTR variant. On other transcripts: synonymous variant (2).
Genome position (GRCh38, 1-based): chr21:45,515,120, C>G on the plus strand (G>C on the coding strand, the complement: SLC19A1 is on the minus strand). VCF-style: chr21-45515120-C-G. GRCh37 (hg19) VCF-style: chr21-46935034-C-G.
Other names: c.1326G>C, p.Leu442= (NM_001205206.4, NM_001352511.3); c.*538G>C (NM_001205207.3, NM_001352510.2, NM_001352512.2).
Identifiers: ClinVar variation 3035317 (VCV003035317.2), dbSNP rs975257559, ClinGen allele CA321928526.